The following is an entry in ClinVar:

NM_002439.5(MSH3):c.1022G>A (p.Gly341Glu)

Genes: MSH3 (mutS homolog 3; plus strand), LOC126807437 (MED14-independent group 3 enhancer GRCh37_chr5:79968379-79969578; plus strand). Cytogenetic location: 5q14.1.
Variant type: single nucleotide variant.
Coding change: c.1022G>A on transcript NM_002439.5 (MANE Select); coding-DNA position 1022, G replaced by A.
Protein change: p.Gly341Glu; replaces glycine 341 with glutamic acid.
Molecular consequence: missense variant.
Genome position (GRCh38, 1-based): chr5:80,672,853, G>A. VCF-style: chr5-80672853-G-A. GRCh37 (hg19) VCF-style: chr5-79968672-G-A.
Other names: short protein forms G341E.
Identifiers: ClinVar variation 3711725 (VCV003711725.2).
Genomic context (GRCh38, chr5:80,672,853, plus strand): 5'-ACAGAAGTTCACTCTTTTCCCGGAAATTGACTGCCCTTTATACAAAATCTACACTTATTG[G>A]AGAAGATATCCTTTTTGGACGGGAGTTTTTCTCTTAAATGATACAAGGGCTTTGTTGGCA-3'
Protein context (NP_002430.3, residues 331-351): TALYTKSTLI[Gly341Glu]EDVNPLIKLD

ClinVar aggregate classification (germline): Uncertain significance (1 of 4 stars; one submission).

Submission:

Labcorp Genetics (formerly Invitae), Labcorp
Classification: Uncertain significance. Last evaluated: 2024-04-29. Review status: criteria provided, single submitter. Criteria: Invitae Variant Classification Sherloc (09022015). Collection method: clinical testing. Allele origin: germline.
Comment: This sequence change replaces glycine, which is neutral and non-polar, with glutamic acid, which is acidic and polar, at codon 341 of the MSH3 protein (p.Gly341Glu). This variant is not present in population databases (gnomAD no frequency). This variant has not been reported in the literature in individuals affected with MSH3-related conditions. An algorithm developed to predict the effect of missense changes on protein structure and function (PolyPhen-2) suggests that this variant is likely to be disruptive. In summary, the available evidence is currently insufficient to determine the role of this variant in disease. Therefore, it has been classified as a Variant of Uncertain Significance.